The following is an entry in ClinVar:

ClinVar aggregate classification (germline): Uncertain significance. Review status: criteria provided, multiple submitters, no conflicts (2 of 4 stars). 3 submissions from 3 submitters: Uncertain significance (3). Last evaluated 2026-01-11.

Conditions:
Inborn genetic diseases. Identifiers: MedGen C0950123, MeSH D030342.

Allele frequency attached by ClinVar (database versions not stated): gnomAD exomes 0.00002; gnomAD 0.00003; TOPMed 0.00004.
gnomAD v4.1: 30 of 1,606,908 alleles (0.0019%); highest among the groups gnomAD compares: East Asian, 0.011%; no homozygotes.

Submissions (3):

Labcorp Genetics (formerly Invitae), Labcorp
Classification: Uncertain significance. Last evaluated: 2026-01-11. Review status: criteria provided, single submitter. Criteria: Invitae Variant Classification Sherloc (09022015). Collection method: clinical testing. Allele origin: germline.
Comment: This sequence change replaces glutamic acid, which is acidic and polar, with lysine, which is basic and polar, at codon 1730 of the HSPG2 protein (p.Glu1730Lys). This variant is present in population databases (no rsID available, gnomAD 0.006%). This variant has not been reported in the literature in individuals affected with HSPG2-related conditions. ClinVar contains an entry for this variant (Variation ID: 1409743). An algorithm developed to predict the effect of missense changes on protein structure and function (PolyPhen-2) suggests that this variant is likely to be disruptive. In summary, the available evidence is currently insufficient to determine the role of this variant in disease. Therefore, it has been classified as a Variant of Uncertain Significance.

Ambry Genetics
Classification: Uncertain significance for Inborn genetic diseases. Last evaluated: 2025-05-21. Review status: criteria provided, single submitter. Criteria: Ambry Variant Classification Scheme 2023. Collection method: clinical testing. Allele origin: germline.

Revvity Omics, Revvity
Classification: Uncertain significance. Last evaluated: 2019-06-19. Review status: criteria provided, single submitter. Criteria: ACMG Guidelines, 2015. Collection method: clinical testing. Allele origin: germline.

NM_005529.7(HSPG2):c.5188G>A (p.Glu1730Lys)

Gene: HSPG2 (heparan sulfate proteoglycan 2; minus strand). Cytogenetic location: 1p36.12.
Variant type: single nucleotide variant.
Coding change: c.5188G>A on transcript NM_005529.7 (MANE Select); coding-DNA position 5188, G replaced by A.
Protein change: p.Glu1730Lys; replaces glutamic acid 1730 with lysine.
Molecular consequence: missense variant.
Genome position (GRCh38, 1-based): chr1:21,859,671, C>T on the plus strand (G>A on the coding strand, the complement: HSPG2 is on the minus strand). VCF-style: chr1-21859671-C-T. GRCh37 (hg19) VCF-style: chr1-22186164-C-T.
Other names: c.5191G>A, p.Glu1731Lys (NM_001291860.2); c.5188G>A (NM_005529.5); short protein forms E1731K, E1730K.
Identifiers: ClinVar variation 1409743 (VCV001409743.9), dbSNP rs948765391, ClinGen allele CA19129738.
Genomic context (GRCh38, chr1:21,859,671, plus strand): 5'-TACGGCAGGTGCAAATGTAGACCCCAGCATCCGAGGGCTGGACGCTGGGGAAGTGGAGCT[C>T]GGAGCCTGGTGGGGAGGAGACAAGAGCTTGTTGGTGCAGATACACTCTTTCTCACATCCA-3'
Protein context (NP_005520.4, residues 1720-1740): SGTQQRHQGS[Glu1730Lys]LHFPSVQPSD